The following is an entry in ClinVar:

ClinVar aggregate classification (germline): Uncertain significance. Review status: criteria provided, multiple submitters, no conflicts (2 of 4 stars). 4 submissions from 4 submitters: Uncertain significance (4). Last evaluated 2026-06-01.

Conditions:
Neuroblastoma, susceptibility to, 1. Identifiers: MedGen C2749485, MONDO:0009741, OMIM 256700.
Charcot-Marie-Tooth disease type 2A1. Also called: CHARCOT-MARIE-TOOTH DISEASE, AXONAL, TYPE 2A1; CHARCOT-MARIE-TOOTH DISEASE, AXONAL, AUTOSOMAL DOMINANT, TYPE 2A1; CHARCOT-MARIE-TOOTH DISEASE, NEURONAL, TYPE 2A1; CHARCOT-MARIE-TOOTH NEUROPATHY, TYPE 2A1; HEREDITARY MOTOR AND SENSORY NEUROPATHY IIA1. Identifiers: Orphanet 99946, MedGen C1861678, MONDO:0007308, OMIM 118210.
Charcot-Marie-Tooth disease type 2. Also called: Charcot-Marie-Tooth type 2. Identifiers: Orphanet 64746, MedGen C0270914, MONDO:0018993.

Allele frequency attached by ClinVar (database versions not stated): ExAC 0.00001; gnomAD 0.00001; gnomAD exomes 0.00001; TOPMed 0.00003.
gnomAD v4.1: 7 of 1,613,934 alleles (0.00043%); highest among the groups gnomAD compares: Admixed American, 0.005%; no homozygotes.

Submissions (4):

CeGaT Center for Human Genetics Tuebingen
Classification: Uncertain significance. Last evaluated: 2026-06-01. Review status: criteria provided, single submitter. Criteria: CeGaT Center For Human Genetics Tuebingen Variant Classification Criteria Version 2. Collection method: clinical testing. Allele origin: germline. Affected: yes. Observed: 1 variant allele.
Comment: KIF1B: PM2, BP4

Labcorp Genetics (formerly Invitae), Labcorp
Classification: Uncertain significance for Charcot-Marie-Tooth disease type 2. Last evaluated: 2025-11-02. Review status: criteria provided, single submitter. Criteria: Invitae Variant Classification Sherloc (09022015). Collection method: clinical testing. Allele origin: germline.
Comment: This sequence change replaces valine, which is neutral and non-polar, with isoleucine, which is neutral and non-polar, at codon 1353 of the KIF1B protein (p.Val1353Ile). This variant is present in population databases (rs770566165, gnomAD 0.006%). This variant has not been reported in the literature in individuals affected with KIF1B-related conditions. ClinVar contains an entry for this variant (Variation ID: 1404980). An algorithm developed to predict the effect of missense changes on protein structure and function (PolyPhen-2) suggests that this variant is likely to be tolerated. In summary, the available evidence is currently insufficient to determine the role of this variant in disease. Therefore, it has been classified as a Variant of Uncertain Significance.

Ambry Genetics
Classification: Uncertain significance. Last evaluated: 2024-11-06. Review status: criteria provided, single submitter. Criteria: Ambry Variant Classification Scheme 2023. Collection method: clinical testing. Allele origin: germline.

Department of Pathology and Laboratory Medicine, Sinai Health System
Classification: Uncertain significance for Charcot-Marie-Tooth disease type 2A1; Neuroblastoma, susceptibility to, 1. Last evaluated: 2020-08-22. Review status: criteria provided, single submitter. Criteria: ACMG Guidelines, 2015. Collection method: research. Allele origin: germline.

NM_001365951.3(KIF1B):c.4195G>A (p.Val1399Ile)

Gene: KIF1B (kinesin family member 1B; plus strand). Cytogenetic location: 1p36.22.
Variant type: single nucleotide variant.
Coding change: c.4195G>A on transcript NM_001365951.3 (MANE Select); coding-DNA position 4195, G replaced by A.
Protein change: p.Val1399Ile; replaces valine 1399 with isoleucine.
Molecular consequence: missense variant.
Genome position (GRCh38, 1-based): chr1:10,361,716, G>A. VCF-style: chr1-10361716-G-A. GRCh37 (hg19) VCF-style: chr1-10421774-G-A.
Other names: c.4195G>A, p.Val1399Ile (NM_001365952.1); c.4057G>A, p.Val1353Ile (NM_015074.3); short protein forms V1353I, V1399I.
Identifiers: ClinVar variation 1404980 (VCV001404980.13), dbSNP rs770566165, ClinGen allele CA582014.